The following is an entry in ClinVar:

ClinVar aggregate classification (germline): Uncertain significance. Review status: criteria provided, multiple submitters, no conflicts (2 of 4 stars). 2 submissions from 2 submitters: Uncertain significance (2). Last evaluated 2023-02-01.

Submissions (2):

GeneDx
Classification: Uncertain significance. Last evaluated: 2023-02-01. Review status: criteria provided, single submitter. Criteria: GeneDx Variant Classification Process June 2021. Collection method: clinical testing. Allele origin: germline. Affected: yes.
Comment: Not observed at significant frequency in large population cohorts (gnomAD); In silico analysis supports that this missense variant does not alter protein structure/function; Has not been previously published as pathogenic or benign to our knowledge

Blueprint Genetics
Classification: Uncertain significance. Last evaluated: 2022-02-23. Review status: criteria provided, single submitter. Criteria: ACMG Guidelines, 2015. Collection method: clinical testing. Allele origin: germline.

NM_001080517.3(SETD5):c.2333G>C (p.Ser778Thr)

Gene: SETD5 (SET domain containing 5; plus strand). Cytogenetic location: 3p25.3.
Variant type: single nucleotide variant.
Coding change: c.2333G>C on transcript NM_001080517.3 (MANE Select); coding-DNA position 2333, G replaced by C.
Protein change: p.Ser778Thr; replaces serine 778 with threonine.
Molecular consequence: missense variant.
Genome position (GRCh38, 1-based): chr3:9,448,617, G>C. VCF-style: chr3-9448617-G-C. GRCh37 (hg19) VCF-style: chr3-9490301-G-C.
Other names: c.2039G>C, p.Ser680Thr (NM_001292043.2, NM_001349451.2); short protein forms S680T, S778T.
Identifiers: ClinVar variation 2574785 (VCV002574785.2), dbSNP rs2473004252, ClinGen allele CA351702056.
Genomic context (GRCh38, chr3:9,448,617, plus strand): 5'-TTGGCTCACCCTTTATCCCTGAGAGACGTCGAAGGCCCCTTCTGCCTGATGGCACATTCA[G>C]CTCCTGTAAGAAGGTATGTCTGTGTTTTTGTGTGTGTGTTGTGTTTATGTGTGTGTGCTT-3'
Protein context (NP_001073986.1, residues 768-788): RRPLLPDGTF[Ser778Thr]SCKKRWIKQA